The following is an entry in ClinVar:

ClinVar aggregate classification (germline): Uncertain significance (1 of 4 stars; one submission).

Conditions:
Granulomatous disease, chronic, X-linked. Also called: GRANULOMATOUS DISEASE, CHRONIC, X-LINKED, SOMATIC MOSAIC; CYTOCHROME b-NEGATIVE GRANULOMATOUS DISEASE, CHRONIC, X-LINKED. Identifiers: Orphanet 379, MedGen C1844376, MONDO:0010600, OMIM 306400.

Allele frequency attached by ClinVar (database versions not stated): gnomAD exomes below 0.00001 and 0.00001.
gnomAD v4.1: 1 of 1,211,766 alleles (0.000083%); highest among the groups gnomAD compares: Admixed American, 0.0022%; no homozygotes.

Submission:

Labcorp Genetics (formerly Invitae), Labcorp
Classification: Uncertain significance for Granulomatous disease, chronic, X-linked. Last evaluated: 2019-11-13. Review status: criteria provided, single submitter. Criteria: Invitae Variant Classification Sherloc (09022015). Collection method: clinical testing. Allele origin: germline.
Comment: In summary, the available evidence is currently insufficient to determine the role of this variant in disease. Therefore, it has been classified as a Variant of Uncertain Significance. This sequence change replaces aspartic acid with tyrosine at codon 397 of the CYBB protein (p.Asp397Tyr). The aspartic acid residue is highly conserved and there is a large physicochemical difference between aspartic acid and tyrosine. This variant is not present in population databases (ExAC no frequency). This variant has not been reported in the literature in individuals with CYBB-related conditions. Algorithms developed to predict the effect of missense changes on protein structure and function (SIFT, PolyPhen-2, Align-GVGD) all suggest that this variant is likely to be disruptive, but these predictions have not been confirmed by published functional studies and their clinical significance is uncertain.

NM_000397.4(CYBB):c.1189G>T (p.Asp397Tyr)

Gene: CYBB (cytochrome b-245 beta chain; plus strand). Cytogenetic location: Xp11.4.
Variant type: single nucleotide variant.
Coding change: c.1189G>T on transcript NM_000397.4 (MANE Select); coding-DNA position 1189, G replaced by T.
Protein change: p.Asp397Tyr; replaces aspartic acid 397 with tyrosine.
Molecular consequence: missense variant.
Genome position (GRCh38, 1-based): chrX:37,805,043, G>T. VCF-style: chrX-37805043-G-T. GRCh37 (hg19) VCF-style: chrX-37664296-G-T.
Other names: short protein forms D397Y.
Identifiers: ClinVar variation 935101 (VCV000935101.10), dbSNP rs1556471167, ClinGen allele CA412977686.